The following is an entry in ClinVar:

ClinVar aggregate classification (germline): Uncertain significance (1 of 4 stars; one submission).

Allele frequency attached by ClinVar (database versions not stated): 1000 Genomes Project 30x 0.00016.
gnomAD v4.1: 31 of 1,613,918 alleles (0.0019%); highest among the groups gnomAD compares: South Asian, 0.027%; no homozygotes.

Submission:

Labcorp Genetics (formerly Invitae), Labcorp
Classification: Uncertain significance. Last evaluated: 2022-04-09. Review status: criteria provided, single submitter. Criteria: Invitae Variant Classification Sherloc (09022015). Collection method: clinical testing. Allele origin: germline.
Comment: This sequence change replaces proline, which is neutral and non-polar, with histidine, which is basic and polar, at codon 491 of the HPS1 protein (p.Pro491His). This variant is present in population databases (rs2296434, gnomAD 0.03%). This variant has not been reported in the literature in individuals affected with HPS1-related conditions. Algorithms developed to predict the effect of missense changes on protein structure and function are either unavailable or do not agree on the potential impact of this missense change (SIFT: "Tolerated"; PolyPhen-2: "Probably Damaging"; Align-GVGD: "Class C0"). In summary, the available evidence is currently insufficient to determine the role of this variant in disease. Therefore, it has been classified as a Variant of Uncertain Significance.

NM_000195.5(HPS1):c.1472C>A (p.Pro491His)

Gene: HPS1 (HPS1 biogenesis of lysosomal organelles complex 3 subunit 1; minus strand). Cytogenetic location: 10q24.2.
Variant type: single nucleotide variant.
Coding change: c.1472C>A on transcript NM_000195.5 (MANE Select); coding-DNA position 1472, C replaced by A.
Protein change: p.Pro491His; replaces proline 491 with histidine.
Molecular consequence: missense variant.
Genome position (GRCh38, 1-based): chr10:98,423,813, G>T on the plus strand (C>A on the coding strand, the complement: HPS1 is on the minus strand). VCF-style: chr10-98423813-G-T. GRCh37 (hg19) VCF-style: chr10-100183570-G-T.
Other names: c.500C>A, p.Pro167His (NM_001311345.2, NM_001322487.2, NM_001322489.2); c.1472C>A, p.Pro491His (NM_001322476.2, NM_001322477.2); c.1373C>A, p.Pro458His (NM_001322478.2, NM_001322479.2); c.1211C>A, p.Pro404His (NM_001322480.2, NM_001322481.2); c.1112C>A, p.Pro371His (NM_001322482.2); c.1103C>A, p.Pro368His (NM_001322483.2, NM_001322484.2); c.1004C>A, p.Pro335His (NM_001322485.2); short protein forms P167H, P371H, P491H, P335H, P368H, P404H, P458H.
Identifiers: ClinVar variation 2172323 (VCV002172323.1), dbSNP rs2296434, ClinGen allele CA5639012.
Genomic context (GRCh38, chr10:98,423,813, plus strand): 5'-CGCATGAGCCTCTGCACTTGGTCCTGCAGGTGCTGGGGCAGGTGTGGGCCTCCCCTGCTG[G>T]GGGCTGTGGTCAGAAAGTTCAGCCGGTAGATGGCGCAGAGCTGCCGCTTCAGCTTCCCAC-3'
Protein context (NP_000186.2, residues 481-501): IYRLNFLTTA[Pro491His]SRGGPHLPQH